The following is an entry in ClinVar:

ClinVar aggregate classification (germline): Uncertain significance (1 of 4 stars; one submission).

Submission:

Labcorp Genetics (formerly Invitae), Labcorp
Classification: Uncertain significance. Last evaluated: 2022-11-22. Review status: criteria provided, single submitter. Criteria: Invitae Variant Classification Sherloc (09022015). Collection method: clinical testing. Allele origin: germline.
Comment: In summary, the available evidence is currently insufficient to determine the role of this variant in disease. Therefore, it has been classified as a Variant of Uncertain Significance. Experimental studies and prediction algorithms are not available or were not evaluated, and the functional significance of this variant is currently unknown. This variant has not been reported in the literature in individuals affected with PDE6B-related conditions. This variant is not present in population databases (gnomAD no frequency). This variant, c.615_620del, results in the deletion of 2 amino acid(s) of the PDE6B protein (p.Glu206_Asp207del), but otherwise preserves the integrity of the reading frame.

NM_000283.4(PDE6B):c.609CGAAGA[1] (p.204ED[1])

Gene: PDE6B (phosphodiesterase 6B; plus strand). Cytogenetic location: 4p16.3.
Variant type: Microsatellite.
Coding change: c.609CGAAGA[1] on transcript NM_000283.4 (MANE Select); one copy of the 6-base unit CGAAGA starting at c.609; the reference has two copies in a row; one copy, 6 bases deleted.
Protein change: p.204ED[1].
Molecular consequence: inframe deletion.
Genome position (GRCh38, 1-based): chr4:634,823-634,828, CGAAGA deleted; deleting any 6 consecutive bases within chr4:634,817-634,828 gives the same sequence; the position shown is the placement nearest the transcript's 3' end. VCF-style (leftmost placement, unchanged base first): chr4-634816-GCGAAGA-G. GRCh37 (hg19) VCF-style: chr4-628605-GCGAAGA-G.
Other names: c.609CGAAGA[1], p.204ED[1] (NM_001145291.2).
Identifiers: ClinVar variation 1351211 (VCV001351211.6), dbSNP rs2109133427, ClinGen allele CA2580616045.